The following continues an entry in ClinVar:

NM_000059.4(BRCA2):c.7868A>G (p.His2623Arg)

Gene: BRCA2. ClinVar aggregate classification (germline): Pathogenic/Likely pathogenic. Pathogenic (7); Likely pathogenic (9).

Submissions 7 to 20 of 20:

Color Diagnostics, LLC DBA Color Health
Classification: Pathogenic for Hereditary cancer-predisposing syndrome. Last evaluated: 2024-05-21. Review status: criteria provided, single submitter. Criteria: ACMG Guidelines, 2015. Collection method: clinical testing. Allele origin: germline.
Comment: This missense variant replaces histidine with arginine at codon 2623 of the BRCA2 protein. Computational prediction suggests that this variant may have deleterious impact on protein structure and function. This variant has been reported to impact BRCA2 function in a homology-directed repair assay and in the rescue of cell viability and PARP-inhibitor sensitivity in BRCA2-deficient cells (PMID: 29394989, 32444794, 33293522, 35736817). This variant has been detected in at least five individuals affected with breast cancer (PMID: 26023681, 33471991; Leiden Open Variation Database DB-ID BRCA2_000237, 36775216; Color internal data). This variant has not been identified in the general population by the Genome Aggregation Database (gnomAD). Based on the available evidence, this variant is classified as Pathogenic.

Baylor Genetics
Classification: Likely pathogenic for Breast-ovarian cancer, familial, susceptibility to, 2. Last evaluated: 2024-01-10. Review status: criteria provided, single submitter. Criteria: ACMG Guidelines, 2015. Collection method: clinical testing. Allele origin: unknown.

Women's Health and Genetics/Laboratory Corporation of America, LabCorp
Classification: Likely pathogenic for Hereditary breast ovarian cancer syndrome. Last evaluated: 2023-06-27. Review status: criteria provided, single submitter. Criteria: LabCorp Variant Classification Summary - May 2015. Collection method: clinical testing. Allele origin: germline.
Comment: Variant summary: BRCA2 c.7868A>G (p.His2623Arg) results in a non-conservative amino acid change located in the helical domain (IPR015252) that is part of the DNA binding domain (PMID: 22193408) of the encoded protein sequence. Five of five in-silico tools predict a damaging effect of the variant on protein function. This variant was also predicted to be 'likely deleterious' by a protein likelihood ratio model (Karchin_2008). The variant was absent in 251280 control chromosomes in gnomAD. These data indicate that the variant may be associated with disease. Several publications report experimental evidence evaluating an impact on protein function. The most pronounced variant effect results in a deleterious outcome for the variant in a homology-directed DNA repair (HDR) assay (Guidugli_2018). This is further corroborated by another study reporting a likely pathogenic outcome based on sensitivity to platinum based chemotherapies and ADP poly (ADP-ribose) polymerase (PARP) inhibitors in a BRCA2 knockout human colorectal adenocarcinoma cell line (Ikegami_2020). The following publications have been ascertained in the context of this evaluation (PMID: 26023681, 29394989, 29884841, 33273034, 35736817, 32444794, 19043619, 36367610, 31409081). Eight submitters have cited clinical-significance assessments for this variant to ClinVar after 2014 (Pathogenic: n=2; likely pathogenic: n=6). Based on the evidence outlined above, the variant was classified as likely pathogenic.

Institute of Human Genetics, University of Leipzig Medical Center
Classification: Pathogenic for Familial cancer of breast. Last evaluated: 2023-05-17. Review status: criteria provided, single submitter. Criteria: ACMG Guidelines, 2015. Collection method: clinical testing. Allele origin: paternal. Inheritance: Autosomal dominant inheritance. Affected: yes.
Comment: Criteria applied: PS3,PS4_MOD,PM1,PM5,PM2_SUP,PP3

Institute of Human Genetics, University of Leipzig Medical Center
Classification: Likely pathogenic for Breast-ovarian cancer, familial, susceptibility to, 2. Last evaluated: 2023-02-03. Review status: criteria provided, single submitter. Criteria: ACMG Guidelines, 2015. Collection method: clinical testing. Allele origin: unknown.

GeneDx
Classification: Likely pathogenic. Last evaluated: 2022-12-19. Review status: criteria provided, single submitter. Criteria: GeneDx Variant Classification Process June 2021. Collection method: clinical testing. Allele origin: germline. Affected: yes.
Comment: Observed in individuals with a personal or family history of breast and other cancers (Foley et al., 2015; Lilyquist et al., 2017; Machackova et al., 2019); Not observed at significant frequency in large population cohorts (gnomAD); Also known as 8096A>G; This variant is associated with the following publications: (PMID: 33609447, 26023681, 25782689, 23108138, 19043619, 28152038, 31409081, 29394989, 29884841, 32444794, 12228710, 28888541, 35736817, 32377563)

Quest Diagnostics Nichols Institute San Juan Capistrano
Classification: Pathogenic. Last evaluated: 2022-08-15. Review status: criteria provided, single submitter. Criteria: Quest Diagnostics criteria. Collection method: clinical testing. Allele origin: unknown.
Comment: This variant has not been reported in large, multi-ethnic general populations. In the published literature, the variant has been reported in individuals with a personal and/or family history of breast and/or ovarian cancer (PMIDs: 31409081 (2019), 28888541 (2017), 26023681 (2015)). In addition, functional studies have indicated the variant has deleterious effects on homology-directed DNA repair (PMID: 33609447 (2021), 29394989 (2018)) and response to PARP inhibitors (PMID: 32444794 (2020)). Based on the available information, this variant is classified as pathogenic.

Sema4
Classification: Likely pathogenic for Hereditary cancer-predisposing syndrome. Last evaluated: 2021-11-15. Review status: criteria provided, single submitter. Criteria: Sema4 Curation Guidelines. Collection method: curation. Allele origin: germline.
Comment: The BRCA2 c.7868A>G (p.H2623R) variant has been reported in heterozygosity in at least 3 individuals with breast cancer (PMID: 26023681, 31409081). A homology-directed DNA repair (HDR) study demonstrated the normal function of the protein was disrupted (PMID: 29394989). It is also known as c.8096A>G in the literature. This variant is not reported in the Genome Aggregation Database (PMID: 32461654). This variant has been reported in ClinVar (Variation ID: 38123). Based on the current evidence available, this variant is interpreted as likely pathogenic.

Baylor Genetics
Classification: Likely pathogenic for Familial cancer of breast. Last evaluated: 2021-01-27. Review status: criteria provided, single submitter. Criteria: ACMG Guidelines, 2015. Collection method: clinical testing. Allele origin: unknown.

Cancer Variant Interpretation Group UK, Institute of Cancer Research, London
Classification: Likely pathogenic for Hereditary Breast and Ovarian Cancer. Last evaluated: 2018-11-23. Review status: criteria provided, single submitter. Criteria: ACMG Guidelines, 2015. Collection method: curation. Allele origin: germline.
Comment: Data used in classification: The frequency of this variant is 0/138,632 individuals (tgnomAD) (PM2_mod). The variant is in the DNA-binding domain of BRCA2 (PM1_sup). In the VarCall Bayesian statistical model for VUS classification using functional assay data (Guidugli et al Am J Hum Genet 2018; 102:233-248, Couch Lab), the variant has a probability of being deleterious of 0.995 and an overall classification of pathogenic (PS3_strong). This variant is classified on ClinVar as Likely Pathogenic by accredited diagnostic USA laboratory Ambry Genetics (2017) (PP5_sup). Data not used in classification: There are conflicting in silico predictions of pathogenicity: AlignGVGD (class: C25), SIFT (Deleterious), Polyphen2 HumVar (probably damaging) and CADD (26.8) (PP3-sup). There are additional reports of this variant in UMD (2), BIC (3), and BRCA2 LOVD (1).

Research Molecular Genetics Laboratory, Women's College Hospital, University of Toronto
Classification: Uncertain significance. Last evaluated: 2014-01-31. Review status: no assertion criteria provided. Collection method: research. Allele origin: germline. Affected: yes. Study: The Canadian Open Genetics Repository (COGR). Not counted in ClinVar's aggregate classification.

Sharing Clinical Reports Project (SCRP)
Classification: Likely pathogenic for Breast-ovarian cancer, familial 2. Last evaluated: 2010-04-12. Review status: no assertion criteria provided. Collection method: clinical testing. Allele origin: germline. Not counted in ClinVar's aggregate classification.

Breast Cancer Information Core (BIC) (BRCA2)
Classification: Uncertain significance for Breast-ovarian cancer, familial 2. Last evaluated: 2003-12-23. Review status: no assertion criteria provided. Collection method: clinical testing. Allele origin: germline. Affected: yes. Observed: 3 variant alleles. Not counted in ClinVar's aggregate classification.

Department of Pathology and Laboratory Medicine, Sinai Health System
Classification: Uncertain significance for Malignant tumor of breast. Review status: no assertion criteria provided. Collection method: clinical testing. Allele origin: unknown. Affected: yes. Observed: 1 variant allele. Study: The Canadian Open Genetics Repository (COGR). Not counted in ClinVar's aggregate classification.
Comment: The BRCA2, p.His2623Arg variant was identified in dbSNP (ID: rs80359012) â€šÃ„ÃºWith likely pathogenic alleleâ€šÃ„Ã¹, LOVD ,the ClinVar database (classified as a â€šÃ„Ãºlikely pathogenicâ€šÃ„Ã¹ variant by the Sharing Clinical Reports Project, derived from Myriad reports and Ambry Genetics; as â€šÃ„Ãºuncertain significanceâ€šÃ„Ã¹ by the BIC), GeneInsight through the Canadian Open Genetics Repository (1X, classified as â€šÃ„Ãºunknown significanceâ€šÃ„Ã¹ by a clinical laboratory), the BIC database (3X with unknown clinical importance), and UMD (1X as a variant of unknown significance). The p.His2623 residue is conserved across mammals and lower organisms, and computational analyses (PolyPhen-2, SIFT, AlignGVGD, BLOSUM, MutationTaster) suggest that the p.His2623 variant may impact the protein. However, this information is not predictive enough to assume pathogenicity. A computational study by Karchin (2008) have suggested that p.His2623Arg is likely deleterious variant with likelihood ratio of 17.554 in favour of protein loss of function. In summary, based on the above information, the clinical significance of this variant cannot be determined with certainty at this time. This variant is classified as a variant of uncertain significance.

Literature cited by the submitters: PubMed 33609447 (cited by 4 submitters); PubMed 32444794 (cited by 7 submitters); PubMed 33293522 (cited by 3 submitters); PubMed 40232841 (cited by Dasa); PubMed 26023681 (cited by 9 submitters); PubMed 31409081 (cited by 5 submitters); PubMed 29394989 (cited by 9 submitters); PubMed 29884841 (cited by Ambry Genetics and Women's Health and Genetics/Laboratory Corporation of America, LabCorp); PubMed 38417439 (cited by Ambry Genetics); PubMed 39779848 (cited by Ambry Genetics); PubMed 39779857 (cited by Ambry Genetics); PubMed 33471991 (cited by All of Us Research Program, National Institutes of Health and Color Diagnostics, LLC DBA Color Health); PubMed 35736817 (cited by Color Diagnostics, LLC DBA Color Health and Women's Health and Genetics/Laboratory Corporation of America, LabCorp); PubMed 36775216 (cited by Color Diagnostics, LLC DBA Color Health); PubMed 19043619 (cited by Women's Health and Genetics/Laboratory Corporation of America, LabCorp and Quest Diagnostics Nichols Institute San Juan Capistrano); PubMed 33273034 (cited by Women's Health and Genetics/Laboratory Corporation of America, LabCorp); PubMed 36367610 (cited by Women's Health and Genetics/Laboratory Corporation of America, LabCorp); PubMed 25782689 (cited by Quest Diagnostics Nichols Institute San Juan Capistrano); PubMed 28888541 (cited by Quest Diagnostics Nichols Institute San Juan Capistrano).